The following is an entry in ClinVar:

NM_003673.4(TCAP):c.208C>T (p.Arg70Trp)

Gene: TCAP (titin-cap; plus strand). Cytogenetic location: 17q12.
Variant type: single nucleotide variant.
Coding change: c.208C>T on transcript NM_003673.4 (MANE Select); coding-DNA position 208, C replaced by T.
Protein change: p.Arg70Trp; replaces arginine 70 with tryptophan.
Molecular consequence: missense variant.
Genome position (GRCh38, 1-based): chr17:39,665,813, C>T. VCF-style: chr17-39665813-C-T. GRCh37 (hg19) VCF-style: chr17-37822066-C-T.
Other names: short protein forms R70W.
Identifiers: ClinVar variation 189789 (VCV000189789.62), dbSNP rs775636212, ClinGen allele CA249987.

ClinVar aggregate classification (germline): Uncertain significance. Review status: criteria provided, multiple submitters, no conflicts (2 of 4 stars). 13 submissions from 13 submitters: Uncertain significance (9). 4 of the submissions do not count toward it. Last evaluated 2025-11-04.

Conditions:
Cardiovascular phenotype. Identifiers: MedGen CN230736.
Hypertrophic cardiomyopathy 25 (CMH25). Also called: CARDIOMYOPATHY, FAMILIAL HYPERTROPHIC, 25. Identifiers: MedGen C4225408, MONDO:0011843, OMIM 607487.
Primary familial hypertrophic cardiomyopathy (HCM). Identifiers: Orphanet 99739, MedGen C0949658, MeSH D024741, MONDO:0024573. Inheritance: Various modes of inheritance.
Autosomal recessive limb-girdle muscular dystrophy type 2G (LGMDR7). Also called: Telethoninopathy; MUSCULAR DYSTROPHY, LIMB-GIRDLE, AUTOSOMAL RECESSIVE 7; Limb-girdle muscular dystrophy, type 2G. Identifiers: Orphanet 34514, MedGen C1866008, MONDO:0011170, OMIM 601954.
Hypertrophic cardiomyopathy. Also called: HYPERTROPHIC MYOCARDIOPATHY. Identifiers: Orphanet 217569, MedGen C0007194, MeSH D002312, MONDO:0005045, HP:0001639.

Allele frequency attached by ClinVar (database versions not stated): TOPMed 0.00001; ExAC 0.00002; gnomAD 0.00003.
gnomAD v4.1: 56 of 1,606,332 alleles (0.0035%); highest among the groups gnomAD compares: Middle Eastern, 0.017%; no homozygotes.

Submissions (13):

Ambry Genetics
Classification: Uncertain significance for Cardiovascular phenotype. Last evaluated: 2025-11-04. Review status: criteria provided, single submitter. Criteria: Ambry Variant Classification Scheme 2023. Collection method: clinical testing. Allele origin: germline.
Comment: The p.R70W variant (also known as c.208C>T), located in coding exon 2 of the TCAP gene, results from a C to T substitution at nucleotide position 208. The arginine at codon 70 is replaced by tryptophan, an amino acid with dissimilar properties. This variant was detected in the homozygous state (along with other homozygous variants) in a patient with complex congenital heart defect, ambiguous genitalia, and mild limb hypotonia (Mazen I et al. Sex Dev, 2016 Apr;10:16-22). This variant has also been detected in the heterozygous state in cohorts with cardiomyopathy or arrhythmia (Theis JL et al. Biochem Biophys Res Commun, 2006 Dec;351:896-902; Blom LJ et al. Europace, 2019 Oct;21:1519-1526; Verdonschot JAJ et al. Circ Genom Precis Med, 2020 Oct;13:476-487; Ware SM et al. Am J Hum Genet, 2022 Feb;109:282-298). This amino acid position is well conserved in available vertebrate species. In addition, this alteration is predicted to be deleterious by in silico analysis. Since supporting evidence is limited at this time, the clinical significance of this alteration remains unclear.

Blueprint Genetics
Classification: Uncertain significance. Last evaluated: 2024-10-31. Review status: criteria provided, single submitter. Criteria: ACMG Guidelines, 2015. Collection method: clinical testing. Allele origin: germline.

Labcorp Genetics (formerly Invitae), Labcorp
Classification: Uncertain significance for Hypertrophic cardiomyopathy 25; Primary familial hypertrophic cardiomyopathy. Last evaluated: 2024-10-15. Review status: criteria provided, single submitter. Criteria: Invitae Variant Classification Sherloc (09022015). Collection method: clinical testing. Allele origin: germline.
Comment: This sequence change replaces arginine, which is basic and polar, with tryptophan, which is neutral and slightly polar, at codon 70 of the TCAP protein (p.Arg70Trp). This variant is present in population databases (rs775636212, gnomAD 0.01%). This missense change has been observed in individuals with clinical features of hypertrophic cardiomyopathy and/or dilated cardiomyopathy (PMID: 17097056, 32880476; internal data). ClinVar contains an entry for this variant (Variation ID: 189789). An algorithm developed to predict the effect of missense changes on protein structure and function (PolyPhen-2) suggests that this variant is likely to be disruptive. In summary, the available evidence is currently insufficient to determine the role of this variant in disease. Therefore, it has been classified as a Variant of Uncertain Significance.

Clinical Genetics Laboratory, Skane University Hospital Lund
Classification: Uncertain significance. Last evaluated: 2023-04-06. Review status: criteria provided, single submitter. Criteria: ACMG Guidelines, 2015. Collection method: clinical testing. Allele origin: germline. Affected: yes.

Fulgent Genetics
Classification: Uncertain significance for Autosomal recessive limb-girdle muscular dystrophy type 2G; Hypertrophic cardiomyopathy 25. Last evaluated: 2021-09-25. Review status: criteria provided, single submitter. Criteria: ACMG Guidelines, 2015. Collection method: clinical testing. Allele origin: unknown.

Revvity Omics, Revvity
Classification: Uncertain significance. Last evaluated: 2020-08-27. Review status: criteria provided, single submitter. Criteria: ACMG Guidelines, 2015. Collection method: clinical testing. Allele origin: germline.

CeGaT Center for Human Genetics Tuebingen
Classification: Uncertain significance. Last evaluated: 2019-05-01. Review status: criteria provided, single submitter. Criteria: CeGaT Center For Human Genetics Tuebingen Variant Classification Criteria Version 2. Collection method: clinical testing. Allele origin: germline. Affected: yes. Observed: 1 variant allele.

Eurofins Ntd Llc (ga)
Classification: Uncertain significance. Last evaluated: 2016-01-15. Review status: criteria provided, single submitter. Criteria: EGL Classification Definitions 2015. Collection method: clinical testing. Allele origin: germline. Observed: 1 variant allele, 1 heterozygote.

Biesecker Lab/Clinical Genomics Section, National Institutes of Health
Classification: Uncertain significance for Cardiomyopathy, hypertrophic. Last evaluated: 2013-06-24. Review status: criteria provided, single submitter. Criteria: Ng et al. (Circ Cardiovasc Genet. 2013). Collection method: research. Allele origin: unknown. Observed: 1 variant allele. Study: ClinSeq.
Comment: The study set was not selected for affection status in relation to any cancer. Pathogenicity categories were based on literature curation. See Pubmed ID:23861362 for details.

Medical sequencing

OMIM
Classification: Pathogenic for CARDIOMYOPATHY, FAMILIAL HYPERTROPHIC, 25. Last evaluated: 2006-12-29. Review status: no assertion criteria provided. Collection method: literature only. Allele origin: germline. Not counted in ClinVar's aggregate classification.

Clinical Genetics, Academic Medical Center
Classification: Uncertain significance. Review status: no assertion criteria provided. Collection method: clinical testing. Allele origin: germline. Affected: yes. Study: VKGL Data-share Consensus. Not counted in ClinVar's aggregate classification.

Genome Diagnostics Laboratory, University Medical Center Utrecht
Classification: Uncertain significance. Review status: no assertion criteria provided. Collection method: clinical testing. Allele origin: germline. Affected: yes. Study: VKGL Data-share Consensus. Not counted in ClinVar's aggregate classification.

Joint Genome Diagnostic Labs from Nijmegen and Maastricht, Radboudumc and MUMC+
Classification: Uncertain significance. Review status: no assertion criteria provided. Collection method: clinical testing. Allele origin: germline. Affected: yes. Study: VKGL Data-share Consensus. Not counted in ClinVar's aggregate classification.

Literature cited by the submitters: PubMed 17097056 (cited by 3 submitters); PubMed 23861362 (cited by Ambry Genetics); PubMed 27055092 (cited by Ambry Genetics); PubMed 31114860 (cited by Ambry Genetics); PubMed 31980526 (cited by Ambry Genetics); PubMed 32880476 (cited by Ambry Genetics and Labcorp Genetics (formerly Invitae), Labcorp); PubMed 35026164 (cited by Ambry Genetics); PubMed 16352453 (cited by OMIM).